The following is an entry in ClinVar:

NM_017534.6(MYH2):c.998T>C (p.Met333Thr)

Genes: MYH2 (myosin heavy chain 2; minus strand), MYHAS (myosin heavy chain gene cluster antisense RNA; plus strand). Cytogenetic location: 17p13.1.
Variant type: single nucleotide variant.
Coding change: c.998T>C on transcript NM_017534.6 (MANE Select); coding-DNA position 998, T replaced by C.
Protein change: p.Met333Thr; replaces methionine 333 with threonine.
Molecular consequence: missense variant.
Genome position (GRCh38, 1-based): chr17:10,540,604, A>G on the plus strand (T>C on the coding strand, the complement: MYH2 is on the minus strand). VCF-style: chr17-10540604-A-G. GRCh37 (hg19) VCF-style: chr17-10443921-A-G.
Other names: c.998T>C, p.Met333Thr (NM_001100112.2); short protein forms M333T.
Identifiers: ClinVar variation 2822118 (VCV002822118.3), dbSNP rs2508461027, ClinGen allele CA398163988.

ClinVar aggregate classification (germline): Uncertain significance (1 of 4 stars; one submission).

Conditions:
Myopathy, proximal, and ophthalmoplegia (CMYO6). Also called: MYOPATHY WITH CONGENITAL JOINT CONTRACTURES, OPHTHALMOPLEGIA, AND RIMMED VACUOLES; INCLUSION BODY MYOPATHY 3, AUTOSOMAL DOMINANT; CONGENITAL MYOPATHY 6 WITH OPHTHALMOPLEGIA. Identifiers: Orphanet 363677, Orphanet 79091, MedGen C1854106, MONDO:0011577, OMIM 605637.

Submission:

Labcorp Genetics (formerly Invitae), Labcorp
Classification: Uncertain significance for Myopathy, proximal, and ophthalmoplegia. Last evaluated: 2023-10-04. Review status: criteria provided, single submitter. Criteria: Invitae Variant Classification Sherloc (09022015). Collection method: clinical testing. Allele origin: germline.
Comment: This sequence change replaces methionine, which is neutral and non-polar, with threonine, which is neutral and polar, at codon 333 of the MYH2 protein (p.Met333Thr). This variant is not present in population databases (gnomAD no frequency). This variant has not been reported in the literature in individuals affected with MYH2-related conditions. Advanced modeling of protein sequence and biophysical properties (such as structural, functional, and spatial information, amino acid conservation, physicochemical variation, residue mobility, and thermodynamic stability) performed at Invitae indicates that this missense variant is not expected to disrupt MYH2 protein function. In summary, the available evidence is currently insufficient to determine the role of this variant in disease. Therefore, it has been classified as a Variant of Uncertain Significance.